The following is an entry in ClinVar:

NM_001876.4(CPT1A):c.242T>A (p.Leu81Ter)

Gene: CPT1A (carnitine palmitoyltransferase 1A; minus strand). Cytogenetic location: 11q13.3.
Variant type: single nucleotide variant.
Coding change: c.242T>A on transcript NM_001876.4 (MANE Select); coding-DNA position 242, T replaced by A.
Protein change: p.Leu81Ter; replaces leucine 81 with a stop codon.
Molecular consequence: nonsense.
Genome position (GRCh38, 1-based): chr11:68,812,476, A>T on the plus strand (T>A on the coding strand, the complement: CPT1A is on the minus strand). VCF-style: chr11-68812476-A-T. GRCh37 (hg19) VCF-style: chr11-68579944-A-T.
Other names: c.242T>A, p.Leu81Ter (NM_001031847.3); short protein forms L81*.
Identifiers: ClinVar variation 1724009 (VCV001724009.2), dbSNP rs2495681803, ClinGen allele CA381637909.

ClinVar aggregate classification (germline): Likely pathogenic (1 of 4 stars; one submission).

Conditions:
Carnitine palmitoyl transferase 1A deficiency. Also called: CPT I DEFICIENCY; CPT DEFICIENCY, HEPATIC, TYPE I; Carnitine palmitoyltransferase type I deficiency; CPT deficiency, hepatic, type IA; Carnitine palmitoyltransferase 1A deficiency. Identifiers: Orphanet 156, MedGen C1829703, MONDO:0009705, OMIM 255120.

Submission:

Myriad Genetics, Inc.
Classification: Likely pathogenic for Carnitine palmitoyl transferase 1A deficiency. Last evaluated: 2021-12-17. Review status: criteria provided, single submitter. Criteria: Myriad Women's Health Autosomal Recessive and X-Linked Classification Criteria (2021). Collection method: clinical testing. Allele origin: unknown.
Comment: NM_001876.3(CPT1A):c.242T>A(L81*) is expected to be pathogenic in the context of carnitine palmitoyltransferase IA deficiency. This variant is predicted to lead to an abnormal or absent protein product due to the creation of a premature termination codon in CPT1A, a gene where loss-of-function variants are known to be pathogenic. Please note: this variant was assessed in the context of healthy population screening.